The following is an entry in ClinVar:

NM_006412.4(AGPAT2):c.513C>T (p.Pro171=)

Gene: AGPAT2 (1-acylglycerol-3-phosphate O-acyltransferase 2; minus strand). Cytogenetic location: 9q34.3.
Variant type: single nucleotide variant.
Coding change: c.513C>T on transcript NM_006412.4 (MANE Select); coding-DNA position 513, C replaced by T.
Protein change: p.Pro171=; no amino-acid change (proline 171 retained).
Molecular consequence: synonymous variant. On other transcripts: intron variant (1).
Genome position (GRCh38, 1-based): chr9:136,676,660, G>A on the plus strand (C>T on the coding strand, the complement: AGPAT2 is on the minus strand). VCF-style: chr9-136676660-G-A. GRCh37 (hg19) VCF-style: chr9-139571112-G-A.
Other names: p.Pro171=; c.492+301C>T (NM_001012727.2).
Identifiers: ClinVar variation 4683473 (VCV004683473.1).
Genomic context (GRCh38, chr9:136,676,660, plus strand): 5'-CAGGTAGAAGGCGCCCTTCTTAAAAGGCAGCAGGTCCCCATTGTCGTTGCGAGTACCCTC[G>A]GGATAGATCCACACTTTGAGCTGCAGGGAGAGGAGAGCCTGGACTGACCTCACGCCCAGG-3'
Protein context (NP_006403.2, residues 161-181): VRENLKVWIY[Pro171=]EGTRNDNGDL

ClinVar aggregate classification (germline): Likely benign (1 of 4 stars; one submission).

gnomAD v4.1: 95 of 1,613,292 alleles (0.0059%); highest among the groups gnomAD compares: Admixed American, 0.013%; 1 homozygote.

Submission:

Mayo Clinic Laboratories, Mayo Clinic
Classification: Likely benign. Last evaluated: 2025-04-16. Review status: criteria provided, single submitter. Criteria: ACMG Guidelines, 2015. Collection method: clinical testing. Allele origin: germline. Observed: 1 variant allele.
Comment: BP4, BP7